The following is an entry in ClinVar:

NM_133379.5(TTN):c.16019A>G (p.His5340Arg)

Gene: TTN (titin; minus strand). Cytogenetic location: 2q31.2.
Variant type: single nucleotide variant.
Coding change: c.16019A>G on transcript NM_133379.5; coding-DNA position 16019, A replaced by G.
Protein change: p.His5340Arg; replaces histidine 5340 with arginine.
Molecular consequence: missense variant. On other transcripts: intron variant (6).
Genome position (GRCh38, 1-based): chr2:178,746,381, T>C on the plus strand (A>G on the coding strand, the complement: TTN is on the minus strand). VCF-style: chr2-178746381-T-C. GRCh37 (hg19) VCF-style: chr2-179611108-T-C.
Other names: c.10223-4460A>G (NM_003319.4); c.10799-4460A>G (NM_133437.4); c.10598-4460A>G (NM_133432.3); c.10360+6743A>G (NM_133378.4); c.10361-4460A>G (NM_001256850.1); c.11312-4460A>G (NM_001267550.2); short protein forms H5340R.
Identifiers: ClinVar variation 192043 (VCV000192043.1), dbSNP rs201453356, ClinGen allele CA238174.
Genomic context (GRCh38, chr2:178,746,381, plus strand): 5'-TCCATATTTGGATCTACAAAATTAAATGGAAGAACATCTAGACTCACAATCATACTTTTA[T>C]GGTCAGGAGTAAATTCGGGAACTGTCACTATTTTCACCTGCTTCTCAAATTCTTTAACGT-3'

ClinVar aggregate classification (germline): Uncertain significance (1 of 4 stars; one submission).

Allele frequency attached by ClinVar (database versions not stated): ExAC 0.00001; gnomAD 0.00001; gnomAD exomes 0.00001 and 0.00010; TOPMed 0.00002; ESP Exome Variant Server 0.00008.

Submission:

Biesecker Lab/Clinical Genomics Section, National Institutes of Health
Classification: Uncertain significance. Last evaluated: 2013-06-24. Review status: criteria provided, single submitter. Criteria: Ng et al. (Circ Cardiovasc Genet. 2013). Collection method: research. Allele origin: unknown. Observed: 1 variant allele. Study: ClinSeq.
Comment: The study set was not selected for affection status in relation to any cancer. Pathogenicity categories were based on literature curation. See Pubmed ID:23861362 for details.

Medical sequencing